The following is an entry in ClinVar:

NM_001036.6(RYR3):c.10304T>A (p.Val3435Asp)

Gene: RYR3 (ryanodine receptor 3; plus strand). Cytogenetic location: 15q14.
Variant type: single nucleotide variant.
Coding change: c.10304T>A on transcript NM_001036.6 (MANE Select); coding-DNA position 10304, T replaced by A.
Protein change: p.Val3435Asp; replaces valine 3435 with aspartic acid.
Molecular consequence: missense variant.
Genome position (GRCh38, 1-based): chr15:33,812,909, T>A. VCF-style: chr15-33812909-T-A. GRCh37 (hg19) VCF-style: chr15-34105110-T-A.
Other names: c.10289T>A, p.Val3430Asp (NM_001243996.4); short protein forms V3430D, V3435D.
Identifiers: ClinVar variation 2634478 (VCV002634478.1), dbSNP rs1382454330, ClinGen allele CA391583204.

ClinVar aggregate classification (germline): Uncertain significance (1 of 4 stars; one submission).

Conditions:
RYR3-related disorder. Also called: RYR3-related condition.

Allele frequency attached by ClinVar (database versions not stated): TOPMed below 0.00001; gnomAD 0.00001.
gnomAD v4.1: 4 of 1,613,900 alleles (0.00025%); highest among the groups gnomAD compares: Non-Finnish European, 0.00034%; no homozygotes.

Submission:

PreventionGenetics, part of Exact Sciences
Classification: Uncertain significance for RYR3-related condition. Last evaluated: 2023-02-06. Review status: criteria provided, single submitter. Criteria: ACMG Guidelines, 2015. Collection method: clinical testing. Allele origin: germline.
Comment: The RYR3 c.10304T>A variant is predicted to result in the amino acid substitution p.Val3435Asp. To our knowledge, this variant has not been reported in the literature or in a large population database, indicating this variant is rare. At this time, the clinical significance of this variant is uncertain due to the absence of conclusive functional and genetic evidence.